The following is an entry in ClinVar:

ClinVar aggregate classification (germline): Uncertain significance (1 of 4 stars; one submission).

Allele frequency attached by ClinVar (database versions not stated): gnomAD exomes below 0.00001; ExAC 0.00003; TOPMed 0.00002; 1000 Genomes Project 0.00040; gnomAD 0.00003; 1000 Genomes Project 30x 0.00031.
gnomAD v4.1: 10 of 1,614,238 alleles (0.00062%); highest among the groups gnomAD compares: East Asian, 0.02%; no homozygotes.

Submission:

Labcorp Genetics (formerly Invitae), Labcorp
Classification: Uncertain significance. Last evaluated: 2025-09-11. Review status: criteria provided, single submitter. Criteria: Invitae Variant Classification Sherloc (09022015). Collection method: clinical testing. Allele origin: germline.
Comment: This sequence change replaces glutamine, which is neutral and polar, with histidine, which is basic and polar, at codon 225 of the MCM5 protein (p.Gln225His). This variant is present in population databases (rs183229097, gnomAD 0.05%). This variant has not been reported in the literature in individuals affected with MCM5-related conditions. ClinVar contains an entry for this variant (Variation ID: 2889088). Invitae Evidence Modeling of protein sequence and biophysical properties (such as structural, functional, and spatial information, amino acid conservation, physicochemical variation, residue mobility, and thermodynamic stability) indicates that this missense variant is expected to disrupt MCM5 protein function with a positive predictive value of 80%. In summary, the available evidence is currently insufficient to determine the role of this variant in disease. Therefore, it has been classified as a Variant of Uncertain Significance.

NM_006739.4(MCM5):c.675G>T (p.Gln225His)

Gene: MCM5 (minichromosome maintenance complex component 5; plus strand). Cytogenetic location: 22q12.3.
Variant type: single nucleotide variant.
Coding change: c.675G>T on transcript NM_006739.4 (MANE Select); coding-DNA position 675, G replaced by T.
Protein change: p.Gln225His; replaces glutamine 225 with histidine.
Molecular consequence: missense variant.
Genome position (GRCh38, 1-based): chr22:35,408,486, G>T. VCF-style: chr22-35408486-G-T. GRCh37 (hg19) VCF-style: chr22-35804479-G-T.
Other names: short protein forms Q225H.
Identifiers: ClinVar variation 2889088 (VCV002889088.3), dbSNP rs183229097, ClinGen allele CA10205110.